The following is an entry in ClinVar:

NM_014251.3(SLC25A13):c.1349A>G (p.Glu450Gly)

Gene: SLC25A13 (solute carrier family 25 member 13; minus strand). Cytogenetic location: 7q21.3.
Variant type: single nucleotide variant.
Coding change: c.1349A>G on transcript NM_014251.3 (MANE Select); coding-DNA position 1349, A replaced by G.
Protein change: p.Glu450Gly; replaces glutamic acid 450 with glycine.
Molecular consequence: missense variant. On other transcripts: non-coding transcript variant (1).
Genome position (GRCh38, 1-based): chr7:96,146,659, T>C on the plus strand (A>G on the coding strand, the complement: SLC25A13 is on the minus strand). VCF-style: chr7-96146659-T-C. GRCh37 (hg19) VCF-style: chr7-95775971-T-C.
Other names: c.1352A>G, p.Glu451Gly (NM_001160210.2); short protein forms E450G, E451G.
Identifiers: ClinVar variation 3061792 (VCV003061792.2), dbSNP rs2485626729, ClinGen allele CA368256112.

ClinVar aggregate classification (germline): Uncertain significance (0 of 4 stars; one submission).

Conditions:
Neonatal intrahepatic cholestasis due to citrin deficiency (CDNI). Also called: Neonatal-onset citrullinemia type II; Neonatal-onset citrullinemia type 2; CITRIN DEFICIENCY, NEONATAL OR INFANTILE ONSET; Neonatal Intrahepatic Cholestasis Caused by Citrin Deficiency (NICCD). Identifiers: Orphanet 247598, MedGen C1853942, MONDO:0011601, OMIM 605814.

Allele frequency attached by ClinVar (database versions not stated): gnomAD exomes below 0.00001.
gnomAD v4.1: 1 of 1,614,096 alleles (0.000062%); highest among the groups gnomAD compares: Non-Finnish European, 0.000085%; no homozygotes.

Submission:

Neonatal Disease Screening Center, Medical Genetics Center, Huaihua City Maternal and Child Health Care Hospital
Classification: Uncertain significance for Neonatal intrahepatic cholestasis due to citrin deficiency. Review status: no assertion criteria provided. Criteria: ACMG Guidelines, 2015. Collection method: clinical testing. Allele origin: germline. Affected: yes. Observed: 1 variant allele.
Comment: PM2_P+PP3+PM3_P